The following is an entry in ClinVar:

ClinVar aggregate classification (germline): Uncertain significance (1 of 4 stars; one submission).

Conditions:
Aortic valve disease 2 (AOVD2). Identifiers: MedGen C3542024, MONDO:0013902, OMIM 614823.

Submission:

Labcorp Genetics (formerly Invitae), Labcorp
Classification: Uncertain significance for Aortic valve disease 2. Last evaluated: 2023-12-19. Review status: criteria provided, single submitter. Criteria: Invitae Variant Classification Sherloc (09022015). Collection method: clinical testing. Allele origin: germline.
Comment: This variant results in the deletion of part of exon 4 (c.953-2_968del) of the SMAD6 gene. It affects a nucleotide within the consensus splice site. This variant is not present in population databases (gnomAD no frequency). This variant has not been reported in the literature in individuals affected with SMAD6-related conditions. Variants that disrupt the consensus splice site are a relatively common cause of aberrant splicing (PMID: 17576681, 9536098). In summary, the available evidence is currently insufficient to determine the role of this variant in disease. Therefore, it has been classified as a Variant of Uncertain Significance.

Literature cited by the submitters: PubMed 17576681; PubMed 9536098.

NM_005585.5(SMAD6):c.953-2_968del

Gene: SMAD6 (SMAD family member 6; plus strand). Cytogenetic location: 15q22.31.
Variant type: Deletion.
Coding change: c.953-2_968del on transcript NM_005585.5 (MANE Select); the canonical splice acceptor site of the intron before coding-DNA position 953 through coding-DNA position 968, 18 bases deleted (AGACGCCAGCATGTCTCC).
Molecular consequence: splice acceptor variant.
Genome position (GRCh38, 1-based): chr15:66,780,995-66,781,012, AGACGCCAGCATGTCTCC deleted; deleting any 18 consecutive bases within chr15:66,780,994-66,781,012 gives the same sequence; the c. name uses the placement nearest the transcript's 3' end. VCF-style (leftmost placement, unchanged base first): chr15-66780993-GCAGACGCCAGCATGTCTC-G. GRCh37 (hg19) VCF-style: chr15-67073331-GCAGACGCCAGCATGTCTC-G.
Identifiers: ClinVar variation 2704020 (VCV002704020.3), dbSNP rs2541895962, ClinGen allele CA2697549147.
Genomic context (GRCh38, chr15:66,780,993, plus strand): 5'-GCTCCTCGGTGCCTCCCACCTCCCCACCCAGAATAACGCGGCGGTCCCTGTGCTTGTCCC[GCAGACGCCAGCATGTCTC>G]CGGACGCCACCAAGCCGAGCCACTGGTGCAGCGTGGCGTACTGGGAGCACCGGACGCGCG-3'